The following is an entry in ClinVar:

ClinVar aggregate classification (germline): Conflicting classifications of pathogenicity. Review status: criteria provided, conflicting classifications (1 of 4 stars). 2 submissions from 2 submitters: Uncertain significance (1); Likely benign (1). Last evaluated 2025-12-11.

Conditions:
Hereditary cancer-predisposing syndrome. Also called: Neoplastic Syndromes, Hereditary; Hereditary neoplastic syndrome; Tumor predisposition; Hereditary Cancer Syndrome. Identifiers: Orphanet 140162, MedGen C0027672, MeSH D009386, MONDO:0015356.
Cardiovascular phenotype. Identifiers: MedGen CN230736.

gnomAD v4.1: 6 of 1,613,470 alleles (0.00037%); highest among the groups gnomAD compares: Non-Finnish European, 0.00051%; no homozygotes.

Submissions (2):

Ambry Genetics
Classification: Uncertain significance for Cardiovascular phenotype; Hereditary cancer-predisposing syndrome. Last evaluated: 2025-12-11. Review status: criteria provided, single submitter. Criteria: Ambry Variant Classification Scheme 2023. Collection method: clinical testing. Allele origin: germline.
Comment: The c.400+13T>C intronic variant results from a T to C substitution 13 nucleotides after coding exon 4 in the LZTR1 gene. This nucleotide position is not well conserved in available vertebrate species. In silico splice site analysis predicts that this alteration will not have any significant effect on splicing. However, RNA studies have demonstrated that this alteration may result in an incomplete splice defect; the clinical impact of this abnormal splicing is unknown at this time (Ambry internal data). Based on the available evidence, the clinical significance of this variant remains unclear.

Labcorp Genetics (formerly Invitae), Labcorp
Classification: Likely benign. Last evaluated: 2023-05-21. Review status: criteria provided, single submitter. Criteria: Invitae Variant Classification Sherloc (09022015). Collection method: clinical testing. Allele origin: germline.

NM_006767.4(LZTR1):c.400+13T>C

Gene: LZTR1 (leucine zipper like post translational regulator 1; plus strand). Cytogenetic location: 22q11.21.
Variant type: single nucleotide variant.
Coding change: c.400+13T>C on transcript NM_006767.4 (MANE Select); 13 bases into the intron after coding-DNA position 400, T replaced by C.
Molecular consequence: intron variant.
Genome position (GRCh38, 1-based): chr22:20,987,596, T>C. VCF-style: chr22-20987596-T-C. GRCh37 (hg19) VCF-style: chr22-21341885-T-C.
Identifiers: ClinVar variation 2457227 (VCV002457227.7), dbSNP rs762370783, ClinGen allele CA410779503.